The following is an entry in ClinVar:

NM_000271.5(NPC1):c.1947+12G>C

Gene: NPC1 (NPC intracellular cholesterol transporter 1; minus strand). Cytogenetic location: 18q11.2.
Variant type: single nucleotide variant.
Coding change: c.1947+12G>C on transcript NM_000271.5 (MANE Select); 12 bases into the intron after coding-DNA position 1947, G replaced by C.
Molecular consequence: intron variant.
Genome position (GRCh38, 1-based): chr18:23,544,948, C>G on the plus strand (G>C on the coding strand, the complement: NPC1 is on the minus strand). VCF-style: chr18-23544948-C-G. GRCh37 (hg19) VCF-style: chr18-21124912-C-G.
Identifiers: ClinVar variation 890729 (VCV000890729.12), dbSNP rs886053666, ClinGen allele CA777725109.
Genomic context (GRCh38, chr18:23,544,948, plus strand): 5'-AGGCAAAAATATGACGTTACACTGTGCACTGCTGTTAACCTCTAGAACATACACCACCCC[C>G]CCCCGGCTTACCAGAAGCCTGCGACAGCTTTTCATGTGCCCCAAGGCTAGGGAAATATAT-3'

ClinVar aggregate classification (germline): Conflicting classifications of pathogenicity. Review status: criteria provided, conflicting classifications (1 of 4 stars). 3 submissions from 3 submitters: Uncertain significance (1); Likely benign (2). Last evaluated 2025-07-26.

Conditions:
NPC1-related disorder. Also called: NPC1-related condition.
Niemann-Pick disease, type C1. Also called: NIEMANN-PICK DISEASE, VARIANT TYPE C1; NEUROVISCERAL STORAGE DISEASE WITH VERTICAL SUPRANUCLEAR OPHTHALMOPLEGIA; NIEMANN-PICK DISEASE WITH CHOLESTEROL ESTERIFICATION BLOCK; NIEMANN-PICK DISEASE WITHOUT SPHINGOMYELINASE DEFICIENCY; NIEMANN-PICK DISEASE, CHRONIC NEURONOPATHIC FORM. Identifiers: Orphanet 646, MedGen C3179455, MONDO:0009757, OMIM 257220.

gnomAD v4.1: 28 of 1,379,412 alleles (0.002%); highest among the groups gnomAD compares: Middle Eastern, 0.018%; 2 homozygotes.

Submissions (3):

PreventionGenetics, part of Exact Sciences
Classification: Likely benign for NPC1-related condition. Last evaluated: 2025-07-26. Review status: criteria provided, single submitter. Criteria: ACMG Guidelines, 2015. Collection method: clinical testing. Allele origin: germline.
Comment: This variant is classified as likely benign based on ACMG/AMP sequence variant interpretation guidelines (Richards et al. 2015 PMID: 25741868, with internal and published modifications).

Labcorp Genetics (formerly Invitae), Labcorp
Classification: Likely benign for Niemann-Pick disease, type C1. Last evaluated: 2025-07-02. Review status: criteria provided, single submitter. Criteria: Invitae Variant Classification Sherloc (09022015). Collection method: clinical testing. Allele origin: germline.

Illumina Laboratory Services, Illumina
Classification: Uncertain significance for Niemann-Pick disease type C1. Last evaluated: 2018-01-13. Review status: criteria provided, single submitter. Criteria: ICSL Variant Classification Criteria 13 December 2019. Collection method: clinical testing. Allele origin: germline.